The following is an entry in ClinVar:

NM_017649.5(CNNM2):c.456C>G (p.Ile152Met)

Genes: CNNM2 (cyclin and CBS domain divalent metal cation transport mediator 2; plus strand), LOC130004628 (ATAC-STARR-seq lymphoblastoid silent region 2775; plus strand). Cytogenetic location: 10q24.32.
Variant type: single nucleotide variant.
Coding change: c.456C>G on transcript NM_017649.5 (MANE Select); coding-DNA position 456, C replaced by G.
Protein change: p.Ile152Met; replaces isoleucine 152 with methionine.
Molecular consequence: missense variant.
Genome position (GRCh38, 1-based): chr10:102,918,936, C>G. VCF-style: chr10-102918936-C-G. GRCh37 (hg19) VCF-style: chr10-104678693-C-G.
Other names: c.456C>G, p.Ile152Met (NM_199076.3, NM_199077.3); short protein forms I152M.
Identifiers: ClinVar variation 2125697 (VCV002125697.4), dbSNP rs2134149513, ClinGen allele CA377955758.

ClinVar aggregate classification (germline): Uncertain significance (1 of 4 stars; one submission).

Allele frequency attached by ClinVar (database versions not stated): gnomAD exomes 0.00001.
gnomAD v4.1: 5 of 1,612,194 alleles (0.00031%); highest among the groups gnomAD compares: Non-Finnish European, 0.00042%; no homozygotes.

Submission:

Labcorp Genetics (formerly Invitae), Labcorp
Classification: Uncertain significance. Last evaluated: 2022-04-19. Review status: criteria provided, single submitter. Criteria: Invitae Variant Classification Sherloc (09022015). Collection method: clinical testing. Allele origin: germline.
Comment: In summary, the available evidence is currently insufficient to determine the role of this variant in disease. Therefore, it has been classified as a Variant of Uncertain Significance. Algorithms developed to predict the effect of missense changes on protein structure and function (SIFT, PolyPhen-2, Align-GVGD) all suggest that this variant is likely to be tolerated. This sequence change replaces isoleucine, which is neutral and non-polar, with methionine, which is neutral and non-polar, at codon 152 of the CNNM2 protein (p.Ile152Met). This variant is not present in population databases (gnomAD no frequency). This variant has not been reported in the literature in individuals affected with CNNM2-related conditions.